The following is an entry in ClinVar:

NM_003280.3(TNNC1):c.161C>A (p.Pro54His)

Gene: TNNC1 (troponin C1, slow skeletal and cardiac type; minus strand). Cytogenetic location: 3p21.1.
Variant type: single nucleotide variant.
Coding change: c.161C>A on transcript NM_003280.3 (MANE Select); coding-DNA position 161, C replaced by A.
Protein change: p.Pro54His; replaces proline 54 with histidine.
Molecular consequence: missense variant.
Genome position (GRCh38, 1-based): chr3:52,452,147, G>T on the plus strand (C>A on the coding strand, the complement: TNNC1 is on the minus strand). VCF-style: chr3-52452147-G-T. GRCh37 (hg19) VCF-style: chr3-52486163-G-T.
Other names: c.161C>A (LRG_378t1); short protein forms P54H.
Identifiers: ClinVar variation 235060 (VCV000235060.3), dbSNP rs876661393, ClinGen allele CA10581146.

ClinVar aggregate classification (germline): Conflicting classifications of pathogenicity. Review status: criteria provided, conflicting classifications (1 of 4 stars). 2 submissions from 2 submitters: Likely pathogenic (1); Uncertain significance (1). Last evaluated 2013-05-23.

Submissions (2):

Stanford Center for Inherited Cardiovascular Disease, Stanford University
Classification: Uncertain significance. Last evaluated: 2013-05-23. Review status: criteria provided, single submitter. Criteria: ACMG Guidelines, 2015. Collection method: provider interpretation. Allele origin: germline.

GeneDx
Classification: Likely pathogenic. Last evaluated: 2013-01-09. Review status: criteria provided, single submitter. Criteria: GeneDx Variant Classification (06012015). Collection method: clinical testing. Allele origin: germline. Affected: yes.
Comment: The Pro54His variant in the TNNC1 gene has not been reported as a pathogenic variant or as a benign polymorphism to our knowledge. Pro54His results in a non-conservative amino acid substitution of a non-polar Proline with a positively charged Histidine at a position that is conserved across species. In silico analysis predicts Pro54His is possibly damaging to the protein structure/function. Variants in nearby residues (Gln50Arg, Glu59Asp) have been reported in association with cardiomyopathy (Stenson P et al., 2009), further supporting the functional importance of this region of the protein. Furthermore, an external variant database reports Pro54His was not observed in approximately 6,500 samples from individuals of European and African American backgrounds, indicating it is not a common benign variant in these populations. In summary, while Pro54His is a good candidate for a pathogenic variant, with the clinical and molecular information available at this time we cannot unequivocally determine its clinical significance.